The following is an entry in ClinVar:

ClinVar aggregate classification (germline): Likely benign (0 of 4 stars; one submission).

Conditions:
TNNI2-related disorder. Also called: TNNI2-related condition.

Allele frequency attached by ClinVar (database versions not stated): 1000 Genomes Project 30x 0.00016; 1000 Genomes Project 0.00020; ExAC 0.00020.
gnomAD v4.1: 89 of 1,613,162 alleles (0.0055%); highest among the groups gnomAD compares: South Asian, 0.094%; 1 homozygote.

Submission:

PreventionGenetics, part of Exact Sciences
Classification: Likely benign for TNNI2-related condition. Last evaluated: 2023-12-29. Review status: no assertion criteria provided. Collection method: clinical testing. Allele origin: germline.
Comment: This variant is classified as likely benign based on ACMG/AMP sequence variant interpretation guidelines (Richards et al. 2015 PMID: 25741868, with internal and published modifications).

NM_003282.4(TNNI2):c.312G>T (p.Arg104=)

Gene: TNNI2 (troponin I2, fast skeletal type; plus strand). Cytogenetic location: 11p15.5.
Variant type: single nucleotide variant.
Coding change: c.312G>T on transcript NM_003282.4 (MANE Select); coding-DNA position 312, G replaced by T.
Protein change: p.Arg104=; no amino-acid change (arginine 104 retained).
Molecular consequence: synonymous variant.
Genome position (GRCh38, 1-based): chr11:1,841,066, G>T. VCF-style: chr11-1841066-G-T. GRCh37 (hg19) VCF-style: chr11-1862296-G-T.
Other names: c.312G>T, p.Arg104= (NM_001145829.2, NM_001145841.2).
Identifiers: ClinVar variation 3035925 (VCV003035925.2), dbSNP rs531238512, ClinGen allele CA5815234.